The following is an entry in ClinVar:

NM_001365999.1(SZT2):c.3771G>C (p.Gln1257His)

Gene: SZT2 (SZT2 subunit of KICSTOR complex; plus strand). Cytogenetic location: 1p34.2.
Variant type: single nucleotide variant.
Coding change: c.3771G>C on transcript NM_001365999.1 (MANE Select); coding-DNA position 3771, G replaced by C.
Protein change: p.Gln1257His; replaces glutamine 1257 with histidine.
Molecular consequence: missense variant.
Genome position (GRCh38, 1-based): chr1:43,427,702, G>C. VCF-style: chr1-43427702-G-C. GRCh37 (hg19) VCF-style: chr1-43893373-G-C.
Other names: c.3600G>C, p.Gln1200His (NM_015284.4); c.3600G>C (NM_015284.3); short protein forms Q1200H, Q1257H.
Identifiers: ClinVar variation 1047718 (VCV001047718.9), dbSNP rs1483357201, ClinGen allele CA340019007.

ClinVar aggregate classification (germline): Uncertain significance. Review status: criteria provided, multiple submitters, no conflicts (2 of 4 stars). 2 submissions from 2 submitters: Uncertain significance (2). Last evaluated 2025-08-20.

Conditions:
Inborn genetic diseases. Identifiers: MedGen C0950123, MeSH D030342.

Allele frequency attached by ClinVar (database versions not stated): gnomAD exomes below 0.00001.
gnomAD v4.1: 1 of 1,613,890 alleles (0.000062%); highest among the groups gnomAD compares: Non-Finnish European, 0.000085%; no homozygotes.

Submissions (2):

Ambry Genetics
Classification: Uncertain significance for Inborn genetic diseases. Last evaluated: 2025-08-20. Review status: criteria provided, single submitter. Criteria: Ambry Variant Classification Scheme 2023. Collection method: clinical testing. Allele origin: germline.

Labcorp Genetics (formerly Invitae), Labcorp
Classification: Uncertain significance. Last evaluated: 2020-07-29. Review status: criteria provided, single submitter. Criteria: Invitae Variant Classification Sherloc (09022015). Collection method: clinical testing. Allele origin: germline.
Comment: In summary, the available evidence is currently insufficient to determine the role of this variant in disease. Therefore, it has been classified as a Variant of Uncertain Significance. Algorithms developed to predict the effect of missense changes on protein structure and function are either unavailable or do not agree on the potential impact of this missense change (SIFT: "Tolerated"; PolyPhen-2: "Probably Damaging"; Align-GVGD: "Class C0"). This variant has not been reported in the literature in individuals with SZT2-related conditions. This variant is not present in population databases (ExAC no frequency). This sequence change replaces glutamine with histidine at codon 1200 of the SZT2 protein (p.Gln1200His). The glutamine residue is highly conserved and there is a small physicochemical difference between glutamine and histidine.